The following is an entry in ClinVar:

NM_000368.5(TSC1):c.448C>A (p.His150Asn)

Gene: TSC1 (TSC complex subunit 1; minus strand). Cytogenetic location: 9q34.13.
Variant type: single nucleotide variant.
Coding change: c.448C>A on transcript NM_000368.5 (MANE Select); coding-DNA position 448, C replaced by A.
Protein change: p.His150Asn; replaces histidine 150 with asparagine.
Molecular consequence: missense variant. On other transcripts: 5 prime UTR variant (5), non-coding transcript variant (5).
Genome position (GRCh38, 1-based): chr9:132,923,408, G>T on the plus strand (C>A on the coding strand, the complement: TSC1 is on the minus strand). VCF-style: chr9-132923408-G-T. GRCh37 (hg19) VCF-style: chr9-135798795-G-T.
Other names: c.448C>A, p.His150Asn (NM_001162426.2, NM_001406592.1, NM_001406593.1 and 16 more transcripts); c.295C>A, p.His99Asn (NM_001162427.2, NM_001406610.1, NM_001406611.1 and 2 more transcripts); c.85C>A, p.His29Asn (NM_001362177.2, NM_001406614.1, NM_001406615.1 and 10 more transcripts); c.-430C>A (NM_001406626.1, NM_001406627.1, NM_001406628.1); c.-572C>A (NM_001406629.1); c.-646C>A (NM_001406630.1); short protein forms H150N, H29N, H99N.
Identifiers: ClinVar variation 2562877 (VCV002562877.2), dbSNP rs1060503206, ClinGen allele CA375373378.
Genomic context (GRCh38, chr9:132,923,408, plus strand): 5'-CTGGTTTCTTCAGGCACCATGATGACAGACGGCCAAAAATGTCAAAGAAATCAAGAAGAT[G>T]CTGTTTCCCAGACTGTGGAATCATTGGTAGCATGGTTATCAACACCAAGACGCCTGTTGT-3'
Protein context (NP_000359.1, residues 140-160): LPMIPQSGKQ[His150Asn]LLDFFDIFGR

ClinVar aggregate classification (germline): Uncertain significance (1 of 4 stars; one submission).

Conditions:
Hereditary cancer-predisposing syndrome. Also called: Neoplastic Syndromes, Hereditary; Hereditary Cancer Syndrome; Hereditary neoplastic syndrome; Tumor predisposition. Identifiers: Orphanet 140162, MedGen C0027672, MeSH D009386, MONDO:0015356.

Submission:

Ambry Genetics
Classification: Uncertain significance for Hereditary cancer-predisposing syndrome. Last evaluated: 2023-04-18. Review status: criteria provided, single submitter. Criteria: Ambry Variant Classification Scheme 2023. Collection method: clinical testing. Allele origin: germline.
Comment: The p.H150N variant (also known as c.448C>A), located in coding exon 4 of the TSC1 gene, results from a C to A substitution at nucleotide position 448. The histidine at codon 150 is replaced by asparagine, an amino acid with similar properties. This amino acid position is conserved. In addition, the in silico prediction for this alteration is inconclusive. Since supporting evidence is limited at this time, the clinical significance of this alteration remains unclear.